The following is an entry in ClinVar:

NM_001378418.1(TCF20):c.1246C>T (p.Pro416Ser)

Gene: TCF20 (transcription factor 20; minus strand). Cytogenetic location: 22q13.2.
Variant type: single nucleotide variant.
Coding change: c.1246C>T on transcript NM_001378418.1 (MANE Select); coding-DNA position 1246, C replaced by T.
Protein change: p.Pro416Ser; replaces proline 416 with serine.
Molecular consequence: missense variant.
Genome position (GRCh38, 1-based): chr22:42,214,060, G>A on the plus strand (C>T on the coding strand, the complement: TCF20 is on the minus strand). VCF-style: chr22-42214060-G-A. GRCh37 (hg19) VCF-style: chr22-42610066-G-A.
Other names: c.1246C>T, p.Pro416Ser (NM_005650.4, NM_181492.3); short protein forms P416S.
Identifiers: ClinVar variation 1310839 (VCV001310839.2), dbSNP rs1921384209, ClinGen allele CA411791227.

ClinVar aggregate classification (germline): Uncertain significance (1 of 4 stars; one submission).

Submission:

GeneDx
Classification: Uncertain significance. Last evaluated: 2019-12-18. Review status: criteria provided, single submitter. Criteria: GeneDx Variant Classification Process June 2021. Collection method: clinical testing. Allele origin: germline. Affected: yes.
Comment: Not observed in large population cohorts (Lek et al., 2016); In silico analysis, which includes protein predictors and evolutionary conservation, supports a deleterious effect; Has not been previously published as pathogenic or benign to our knowledge